The following is an entry in ClinVar:

ClinVar aggregate classification (germline): Uncertain significance (1 of 4 stars; one submission).

Conditions:
Spermatogenic failure 18. Identifiers: MedGen C4539783, MONDO:0054615, OMIM 617576.
Ciliary dyskinesia, primary, 37 (CILD37). Also called: CILIARY DYSKINESIA, PRIMARY, 37, WITH OR WITHOUT SITUS INVERSUS. Identifiers: MedGen C4539798, MONDO:0033204, OMIM 617577.

Allele frequency attached by ClinVar (database versions not stated): gnomAD exomes 0.00001; TOPMed 0.00001; ExAC 0.00003.
gnomAD v4.1: 8 of 1,602,090 alleles (0.0005%); highest among the groups gnomAD compares: East Asian, 0.0045%; no homozygotes.

Submission:

Labcorp Genetics (formerly Invitae), Labcorp
Classification: Uncertain significance for Ciliary dyskinesia, primary, 37; Spermatogenic failure 18. Last evaluated: 2025-03-31. Review status: criteria provided, single submitter. Criteria: Invitae Variant Classification Sherloc (09022015). Collection method: clinical testing. Allele origin: germline.
Comment: This sequence change replaces glycine, which is neutral and non-polar, with serine, which is neutral and polar, at codon 2591 of the DNAH1 protein (p.Gly2591Ser). The frequency data for this variant in the population databases is considered unreliable, as metrics indicate poor data quality at this position in the gnomAD database. This variant has not been reported in the literature in individuals affected with DNAH1-related conditions. ClinVar contains an entry for this variant (Variation ID: 964730). Invitae Evidence Modeling of protein sequence and biophysical properties (such as structural, functional, and spatial information, amino acid conservation, physicochemical variation, residue mobility, and thermodynamic stability) indicates that this missense variant is expected to disrupt DNAH1 protein function with a positive predictive value of 80%. In summary, the available evidence is currently insufficient to determine the role of this variant in disease. Therefore, it has been classified as a Variant of Uncertain Significance.

NM_015512.5(DNAH1):c.7771G>A (p.Gly2591Ser)

Gene: DNAH1 (dynein axonemal heavy chain 1; plus strand). Cytogenetic location: 3p21.1.
Variant type: single nucleotide variant.
Coding change: c.7771G>A on transcript NM_015512.5 (MANE Select); coding-DNA position 7771, G replaced by A.
Protein change: p.Gly2591Ser; replaces glycine 2591 with serine.
Molecular consequence: missense variant.
Genome position (GRCh38, 1-based): chr3:52,381,802, G>A. VCF-style: chr3-52381802-G-A. GRCh37 (hg19) VCF-style: chr3-52415818-G-A.
Other names: short protein forms G2591S.
Identifiers: ClinVar variation 964730 (VCV000964730.6), dbSNP rs762413952, ClinGen allele CA2434967.